The following is an entry in ClinVar:

NM_178857.6(RP1L1):c.622C>A (p.Gln208Lys)

Gene: RP1L1 (RP1 like 1). Cytogenetic location: 8p23.1.
Variant type: single nucleotide variant.
Coding change: c.622C>A on transcript NM_178857.6 (MANE Select); coding-DNA position 622, C replaced by A.
Protein change: p.Gln208Lys; replaces glutamine 208 with lysine.
Molecular consequence: missense variant.
Genome position (GRCh38, 1-based): chr8:10,616,575, G>T on the plus strand (C>A on the coding strand, the complement: RP1L1 is on the minus strand). VCF-style: chr8-10616575-G-T. GRCh37 (hg19) VCF-style: chr8-10474085-G-T.
Other names: short protein forms Q208K.
Identifiers: ClinVar variation 361400 (VCV000361400.17), dbSNP rs201753844, ClinGen allele CA4625532.
Genomic context (GRCh38, chr8:10,616,575, plus strand): 5'-GGGTTCTGAAGGCCTCATGCCCGGCACACACCAGCACAGAGGGGCTGTGCAGCAGGGCCT[G>T]CAGCGAGTCCACCTGAGGGAGGAGCGGGCGGGGTCAGGAGGCCTGGGCTGCAGAAACCCC-3'
Protein context (NP_849188.4, residues 198-218): TTSGKKVDSL[Gln208Lys]ALLHSPSVLV

ClinVar aggregate classification (germline): Benign/Likely benign. Review status: criteria provided, multiple submitters, no conflicts (2 of 4 stars). 5 submissions from 5 submitters: Benign (2); Likely benign (2). 1 of the submissions does not count toward it. Last evaluated 2025-11-24.

Conditions:
Occult macular dystrophy (OCMD). Also called: OMD; OCCULT MACULAR DYSTROPHY, SUSCEPTIBILITY TO. Identifiers: Orphanet 247834, MedGen C3150833, MONDO:0013316, OMIM 613587, HP:0030636.
Retinal dystrophy. Also called: Inherited retinal dystrophy. Identifiers: Orphanet 71862, MedGen C0854723, MeSH D058499, MONDO:0019118, HP:0000556.
RP1L1-related disorder. Also called: RP1L1-related condition.

Allele frequency attached by ClinVar (database versions not stated): ExAC 0.00054; 1000 Genomes Project 30x 0.00172; 1000 Genomes Project 0.00180; gnomAD 0.00035; TOPMed 0.00037.
gnomAD v4.1: 241 of 1,612,618 alleles (0.015%); highest among the groups gnomAD compares: East Asian, 0.4%; 3 homozygotes.

Submissions (5):

Labcorp Genetics (formerly Invitae), Labcorp
Classification: Benign. Last evaluated: 2025-11-24. Review status: criteria provided, single submitter. Criteria: Invitae Variant Classification Sherloc (09022015). Collection method: clinical testing. Allele origin: germline.

Blueprint Genetics
Classification: Likely benign. Last evaluated: 2024-08-30. Review status: criteria provided, single submitter. Criteria: ACMG Guidelines, 2015. Collection method: clinical testing. Allele origin: germline.

Dept Of Ophthalmology, Nagoya University
Classification: Likely benign for Retinal dystrophy. Last evaluated: 2023-10-01. Review status: criteria provided, single submitter. Criteria: Submitter's publication. Collection method: research. Allele origin: germline. Affected: yes.

Illumina Laboratory Services, Illumina
Classification: Benign for Occult macular dystrophy. Last evaluated: 2018-01-13. Review status: criteria provided, single submitter. Criteria: ICSL Variant Classification Criteria 13 December 2019. Collection method: clinical testing. Allele origin: germline.
Comment: This variant was observed in the ICSL laboratory as part of a predisposition screen in an ostensibly healthy population. It had not been previously curated by ICSL or reported in the Human Gene Mutation Database (HGMD: prior to June 1st, 2018), and was therefore a candidate for classification through an automated scoring system. Utilizing variant allele frequency, disease prevalence and penetrance estimates, and inheritance mode, an automated score was calculated to assess if this variant is too frequent to cause the disease. Based on the score and internal cut-off values, a variant classified as benign is not then subjected to further curation. The score for this variant resulted in a classification of benign for this disease.

PreventionGenetics, part of Exact Sciences
Classification: Benign for RP1L1-related condition. Last evaluated: 2019-06-13. Review status: no assertion criteria provided. Collection method: clinical testing. Allele origin: germline. Not counted in ClinVar's aggregate classification.
Comment: This variant is classified as benign based on ACMG/AMP sequence variant interpretation guidelines (Richards et al. 2015 PMID: 25741868, with internal and published modifications).